The following is an entry in ClinVar:

ClinVar aggregate classification (germline): Conflicting classifications of pathogenicity. Review status: criteria provided, conflicting classifications (1 of 4 stars). 3 submissions from 3 submitters: Uncertain significance (2); Likely benign (1). Last evaluated 2026-08-27.

Conditions:
Ataxia-telangiectasia syndrome (AT). Also called: Ataxia-telangiectasia, complementation group D; AT, COMPLEMENTATION GROUP C; ATAXIA-TELANGIECTASIA, COMPLEMENTATION GROUP A; ATAXIA-TELANGIECTASIA, FRESNO VARIANT; Ataxia-telangiectasia; LOUIS-BAR SYNDROME. Identifiers: Orphanet 100, MedGen C0004135, MONDO:0008840, OMIM 208900.
Hereditary cancer-predisposing syndrome. Also called: Tumor predisposition; Hereditary neoplastic syndrome; Neoplastic Syndromes, Hereditary; Hereditary Cancer Syndrome. Identifiers: Orphanet 140162, MedGen C0027672, MeSH D009386, MONDO:0015356.

gnomAD v4.1: 1 of 1,614,066 alleles (0.000062%); highest among the groups gnomAD compares: Non-Finnish European, 0.000085%; no homozygotes.

Submissions (3):

Ambry Genetics
Classification: Likely benign for Hereditary cancer-predisposing syndrome. Last evaluated: 2026-08-27. Review status: criteria provided, single submitter. Criteria: Ambry Variant Classification Scheme 2023. Collection method: clinical testing. Allele origin: germline.

Labcorp Genetics (formerly Invitae), Labcorp
Classification: Uncertain significance for Ataxia-telangiectasia syndrome. Last evaluated: 2022-03-30. Review status: criteria provided, single submitter. Criteria: Invitae Variant Classification Sherloc (09022015). Collection method: clinical testing. Allele origin: germline.
Comment: In summary, the available evidence is currently insufficient to determine the role of this variant in disease. Therefore, it has been classified as a Variant of Uncertain Significance. Advanced modeling of protein sequence and biophysical properties (such as structural, functional, and spatial information, amino acid conservation, physicochemical variation, residue mobility, and thermodynamic stability) performed at Invitae indicates that this missense variant is not expected to disrupt ATM protein function. ClinVar contains an entry for this variant (Variation ID: 632648). This variant has not been reported in the literature in individuals affected with ATM-related conditions. This variant is not present in population databases (gnomAD no frequency). This sequence change replaces lysine, which is basic and polar, with threonine, which is neutral and polar, at codon 2418 of the ATM protein (p.Lys2418Thr).

Women's Health and Genetics/Laboratory Corporation of America, LabCorp
Classification: Uncertain significance. Last evaluated: 2018-02-09. Review status: criteria provided, single submitter. Criteria: LabCorp Variant Classification Summary - May 2015. Collection method: clinical testing. Allele origin: germline.
Comment: Variant summary: ATM c.7253A>C (p.Lys2418Thr) results in a non-conservative amino acid change located in the PIK-related kinase of the encoded protein sequence. Three of five in-silico tools predict a benign effect of the variant on protein function. The variant was absent in 245904 control chromosomes in gnomAD. The available data on variant occurrences in the general population are insufficient to allow any conclusion about variant significance. To our knowledge, no occurrence of c.7253A>C in individuals affected with Ataxia-Telangiectasia and no experimental evidence demonstrating its impact on protein function have been reported. No clinical diagnostic laboratories have submitted clinical-significance assessments for this variant to ClinVar after 2014. Based on the evidence outlined above, the variant was classified as uncertain significance.

NM_000051.4(ATM):c.7253A>C (p.Lys2418Thr)

Genes: ATM (ATM serine/threonine kinase; plus strand), C11orf65 (chromosome 11 open reading frame 65; minus strand). Cytogenetic location: 11q22.3.
Variant type: single nucleotide variant.
Coding change: c.7253A>C on transcript NM_000051.4 (MANE Select); coding-DNA position 7253, A replaced by C.
Protein change: p.Lys2418Thr; replaces lysine 2418 with threonine.
Molecular consequence: missense variant. On other transcripts: intron variant (2).
Genome position (GRCh38, 1-based): chr11:108,329,184, A>C. VCF-style: chr11-108329184-A-C. GRCh37 (hg19) VCF-style: chr11-108199911-A-C.
Other names: c.7253A>C, p.Lys2418Thr (NM_001351834.2); c.641-20113T>G (NM_001330368.2); c.*38+6036T>G (NM_001351110.2); short protein forms K2418T.
Identifiers: ClinVar variation 632648 (VCV000632648.9), dbSNP rs1565527146, ClinGen allele CA382559726.